The following is an entry in ClinVar:

NM_003924.4(PHOX2B):c.479C>G (p.Ala160Gly)

Gene: PHOX2B (paired like homeobox 2B; minus strand). Cytogenetic location: 4p13.
Variant type: single nucleotide variant.
Coding change: c.479C>G on transcript NM_003924.4 (MANE Select); coding-DNA position 479, C replaced by G.
Protein change: p.Ala160Gly; replaces alanine 160 with glycine.
Molecular consequence: missense variant.
Genome position (GRCh38, 1-based): chr4:41,746,273, G>C on the plus strand (C>G on the coding strand, the complement: PHOX2B is on the minus strand). VCF-style: chr4-41746273-G-C. GRCh37 (hg19) VCF-style: chr4-41748290-G-C.
Other names: short protein forms A160G.
Identifiers: ClinVar variation 652799 (VCV000652799.13), dbSNP rs1577559372, ClinGen allele CA356738628.

ClinVar aggregate classification (germline): Uncertain significance. Review status: criteria provided, multiple submitters, no conflicts (2 of 4 stars). 2 submissions from 2 submitters: Uncertain significance (2). Last evaluated 2025-05-27.

Conditions:
Hereditary cancer-predisposing syndrome. Also called: Neoplastic Syndromes, Hereditary; Tumor predisposition; Hereditary Cancer Syndrome; Hereditary neoplastic syndrome. Identifiers: Orphanet 140162, MedGen C0027672, MeSH D009386, MONDO:0015356.
Haddad syndrome (OHD). Also called: Ondine-Hirschsprung disease. Identifiers: Orphanet 99803, MedGen C1859049, MONDO:0020493.

gnomAD v4.1: 2 of 1,613,894 alleles (0.00012%); highest among the groups gnomAD compares: Non-Finnish European, 0.00017%; no homozygotes.

Submissions (2):

Ambry Genetics
Classification: Uncertain significance for Hereditary cancer-predisposing syndrome. Last evaluated: 2025-05-27. Review status: criteria provided, single submitter. Criteria: Ambry Variant Classification Scheme 2023. Collection method: clinical testing. Allele origin: germline.
Comment: The p.A160G variant (also known as c.479C>G), located in coding exon 3 of the PHOX2B gene, results from a C to G substitution at nucleotide position 479. The alanine at codon 160 is replaced by glycine, an amino acid with similar properties. This amino acid position is highly conserved in available vertebrate species. In addition, this alteration is predicted to be tolerated by in silico analysis. Based on the available evidence, the clinical significance of this variant remains unclear.

Labcorp Genetics (formerly Invitae), Labcorp
Classification: Uncertain significance for Haddad syndrome. Last evaluated: 2022-12-20. Review status: criteria provided, single submitter. Criteria: Invitae Variant Classification Sherloc (09022015). Collection method: clinical testing. Allele origin: germline.
Comment: In summary, the available evidence is currently insufficient to determine the role of this variant in disease. Therefore, it has been classified as a Variant of Uncertain Significance. Advanced modeling of protein sequence and biophysical properties (such as structural, functional, and spatial information, amino acid conservation, physicochemical variation, residue mobility, and thermodynamic stability) performed at Invitae indicates that this missense variant is not expected to disrupt PHOX2B protein function. ClinVar contains an entry for this variant (Variation ID: 652799). This variant has not been reported in the literature in individuals affected with PHOX2B-related conditions. This variant is not present in population databases (gnomAD no frequency). This sequence change replaces alanine, which is neutral and non-polar, with glycine, which is neutral and non-polar, at codon 160 of the PHOX2B protein (p.Ala160Gly).